The following is an entry in ClinVar:

NM_001354604.2(MITF):c.391A>T (p.Ile131Leu)

Gene: MITF (melanocyte inducing transcription factor; plus strand). Cytogenetic location: 3p13.
Variant type: single nucleotide variant.
Coding change: c.391A>T on transcript NM_001354604.2 (MANE Select); coding-DNA position 391, A replaced by T.
Protein change: p.Ile131Leu; replaces isoleucine 131 with leucine.
Molecular consequence: missense variant.
Genome position (GRCh38, 1-based): chr3:69,937,858, A>T. VCF-style: chr3-69937858-A-T. GRCh37 (hg19) VCF-style: chr3-69987009-A-T.
Other names: c.70A>T, p.Ile24Leu (NM_000248.4, NM_001184968.2, NM_198158.3 and 1 more transcripts); c.235A>T, p.Ile79Leu (NM_001184967.2, NM_001354608.2); c.388A>T, p.Ile130Leu (NM_001354605.2, NM_001354606.2, NM_006722.3); c.340A>T, p.Ile114Leu (NM_001354607.2); c.391A>T, p.Ile131Leu (NM_198159.3); c.343A>T, p.Ile115Leu (NM_198177.3); short protein forms I130L, I115L, I131L, I24L, I79L, I114L.
Identifiers: ClinVar variation 4055172 (VCV004055172.1).

ClinVar aggregate classification (germline): Uncertain significance (1 of 4 stars; one submission).

Conditions:
Hereditary cancer-predisposing syndrome. Also called: Neoplastic Syndromes, Hereditary; Tumor predisposition; Hereditary neoplastic syndrome; Hereditary Cancer Syndrome. Identifiers: Orphanet 140162, MedGen C0027672, MeSH D009386, MONDO:0015356.

Submission:

Ambry Genetics
Classification: Uncertain significance for Hereditary cancer-predisposing syndrome. Last evaluated: 2025-03-26. Review status: criteria provided, single submitter. Criteria: Ambry Variant Classification Scheme 2023. Collection method: clinical testing. Allele origin: germline.
Comment: The p.I24L variant (also known as c.70A>T), located in coding exon 2 of the MITF gene, results from an A to T substitution at nucleotide position 70. The isoleucine at codon 24 is replaced by leucine, an amino acid with highly similar properties. This amino acid position is conserved. In addition, this alteration is predicted to be tolerated by in silico analysis. Based on the available evidence, the clinical significance of this variant remains unclear.